The following is an entry in ClinVar:

ClinVar aggregate classification (germline): Uncertain significance (1 of 4 stars; one submission).

Conditions:
Emery-Dreifuss muscular dystrophy 5, autosomal dominant (EDMD5). Also called: EMERY-DREIFUSS MUSCULAR DYSTROPHY 5. Identifiers: Orphanet 261, MedGen C2751805, MONDO:0013072, OMIM 612999.

Submission:

Labcorp Genetics (formerly Invitae), Labcorp
Classification: Uncertain significance for Emery-Dreifuss muscular dystrophy 5, autosomal dominant. Last evaluated: 2024-10-03. Review status: criteria provided, single submitter. Criteria: Invitae Variant Classification Sherloc (09022015). Collection method: clinical testing. Allele origin: germline.
Comment: This sequence change creates a premature translational stop signal (p.Met2665Ilefs*4) in the SYNE2 gene. It is expected to result in an absent or disrupted protein product. However, the current clinical and genetic evidence is not sufficient to establish whether loss-of-function variants in SYNE2 cause disease. This variant is not present in population databases (gnomAD no frequency). This variant has not been reported in the literature in individuals affected with SYNE2-related conditions. In summary, the available evidence is currently insufficient to determine the role of this variant in disease. Therefore, it has been classified as a Variant of Uncertain Significance.

NM_182914.3(SYNE2):c.7995del (p.Met2665fs)

Gene: SYNE2 (spectrin repeat containing nuclear envelope protein 2; plus strand). Cytogenetic location: 14q23.2.
Variant type: Deletion.
Coding change: c.7995del on transcript NM_182914.3 (MANE Select); coding-DNA position 7995, one base deleted (G; older notation c.7995delG).
Protein change: p.Met2665fs; shifts the reading frame from methionine 2665.
Molecular consequence: frameshift variant.
Genome position (GRCh38, 1-based): chr14:64,051,908, G deleted. VCF-style (leftmost placement, unchanged base first): chr14-64051907-TG-T. GRCh37 (hg19) VCF-style: chr14-64518625-TG-T.
Other names: c.7995del, p.Met2665fs (NM_015180.6); short protein forms M2665fs.
Identifiers: ClinVar variation 3612707 (VCV003612707.2).
Genomic context (GRCh38, chr14:64,051,907, plus strand): 5'-AGCAGCAACATCTACAGTTAAGGCTGAAGTCTCCAGAAGAACGGGCAGGGAACCAAAGCA[TG>T]ATTGCCTTGACCACTGACCTCCAGGCTACCAAGCATGGATTTTCTGTTTTAAAGGGGCAA-3'